The following is an entry in ClinVar:

NM_000094.4(COL7A1):c.4827_4828del (p.Gly1610fs)

Gene: COL7A1 (collagen type VII alpha 1 chain; minus strand). Cytogenetic location: 3p21.31.
Variant type: Deletion.
Coding change: c.4827_4828del on transcript NM_000094.4 (MANE Select); coding-DNA positions 4827 to 4828, 2 bases deleted (AG; older notation c.4827_4828delAG).
Protein change: p.Gly1610fs; shifts the reading frame from glycine 1610.
Molecular consequence: frameshift variant.
Genome position (GRCh38, 1-based): chr3:48,581,331-48,581,332, CT deleted on the plus strand (AG on the coding strand, the reverse complement: COL7A1 is on the minus strand). VCF-style (leftmost placement, unchanged base first): chr3-48581330-CCT-C. GRCh37 (hg19) VCF-style: chr3-48618763-CCT-C.
Other names: short protein forms G1610fs.
Identifiers: ClinVar variation 2734519 (VCV002734519.4), dbSNP rs2531103719, ClinGen allele CA2577588214.

ClinVar aggregate classification (germline): Pathogenic. Review status: criteria provided, multiple submitters, no conflicts (2 of 4 stars). 2 submissions from 2 submitters: Pathogenic (2). Last evaluated 2025-06-15.

Conditions:
Recessive dystrophic epidermolysis bullosa (RDEB). Also called: severe generalized recessive dystrophic epidermolysis bullosa; Recessive DEB (RDEB); DYSTROPHIC EPIDERMOLYSIS BULLOSA, AUTOSOMAL RECESSIVE; EPIDERMOLYSIS BULLOSA DYSTROPHICA, HALLOPEAU-SIEMENS TYPE; Hallopeau-Siemens Disease; EPIDERMOLYSIS BULLOSA DYSTROPHICA, GENERALIZED SEVERE, AUTOSOMAL RECESSIVE. Identifiers: Orphanet 79408, Orphanet 79409, MedGen C0079474, MONDO:0009179, OMIM 226600.

Submissions (2):

Myriad Genetics, Inc.
Classification: Pathogenic for Recessive dystrophic epidermolysis bullosa. Last evaluated: 2025-06-15. Review status: criteria provided, single submitter. Criteria: Myriad Autosomal Dominant, Autosomal Recessive and X-Linked Classification Criteria (2023). Collection method: clinical testing. Allele origin: unknown.
Comment: NM_000094.3(COL7A1):c.4827_4828delAG(G1610Afs*25) is expected to be pathogenic in the context of dystrophic epidermolysis bullosa. This variant is predicted to lead to an abnormal or absent protein product due to the creation of a premature termination codon in COL7A1, a gene where loss-of-function variants are known to be pathogenic. Please note: this variant was assessed in the context of healthy population screening.

Labcorp Genetics (formerly Invitae), Labcorp
Classification: Pathogenic. Last evaluated: 2023-09-08. Review status: criteria provided, single submitter. Criteria: Invitae Variant Classification Sherloc (09022015). Collection method: clinical testing. Allele origin: germline.
Comment: For these reasons, this variant has been classified as Pathogenic. This variant has not been reported in the literature in individuals affected with COL7A1-related conditions. This variant is not present in population databases (gnomAD no frequency). This sequence change creates a premature translational stop signal (p.Gly1610Alafs*25) in the COL7A1 gene. It is expected to result in an absent or disrupted protein product. Loss-of-function variants in COL7A1 are known to be pathogenic (PMID: 16971478).

Literature cited by the submitters: PubMed 16971478 (cited by Labcorp Genetics (formerly Invitae), Labcorp).